The following is an entry in ClinVar:

NM_015346.4(ZFYVE26):c.6424C>T (p.Gln2142Ter)

Gene: ZFYVE26 (zinc finger FYVE-type containing 26; minus strand). Cytogenetic location: 14q24.1.
Variant type: single nucleotide variant.
Coding change: c.6424C>T on transcript NM_015346.4 (MANE Select); coding-DNA position 6424, C replaced by T.
Protein change: p.Gln2142Ter; replaces glutamine 2142 with a stop codon.
Molecular consequence: nonsense.
Genome position (GRCh38, 1-based): chr14:67,761,530, G>A on the plus strand (C>T on the coding strand, the complement: ZFYVE26 is on the minus strand). VCF-style: chr14-67761530-G-A. GRCh37 (hg19) VCF-style: chr14-68228247-G-A.
Other names: short protein forms Q2142*.
Identifiers: ClinVar variation 2038028 (VCV002038028.5), dbSNP rs1239601514, ClinGen allele CA390163382.

ClinVar aggregate classification (germline): Pathogenic. Review status: criteria provided, multiple submitters, no conflicts (2 of 4 stars). 2 submissions from 2 submitters: Pathogenic (2). Last evaluated 2024-01-29.

Conditions:
Spastic paraplegia. Identifiers: MedGen C0037772, HP:0001258.
Hereditary spastic paraplegia. Also called: Familial spastic paraparesis. Identifiers: Orphanet 685, MedGen C0037773, MONDO:0019064. Disease mechanism: loss of function.

Allele frequency attached by ClinVar (database versions not stated): TOPMed below 0.00001; gnomAD exomes 0.00001.
gnomAD v4.1: 3 of 1,614,230 alleles (0.00019%); highest among the groups gnomAD compares: Non-Finnish European, 0.00025%; no homozygotes.

Submissions (2):

Labcorp Genetics (formerly Invitae), Labcorp
Classification: Pathogenic for Spastic paraplegia. Last evaluated: 2024-01-29. Review status: criteria provided, single submitter. Criteria: Invitae Variant Classification Sherloc (09022015). Collection method: clinical testing. Allele origin: germline.
Comment: This sequence change creates a premature translational stop signal (p.Gln2142*) in the ZFYVE26 gene. It is expected to result in an absent or disrupted protein product. Loss-of-function variants in ZFYVE26 are known to be pathogenic (PMID: 18394578, 19805727). This variant is not present in population databases (gnomAD no frequency). This variant has not been reported in the literature in individuals affected with ZFYVE26-related conditions. ClinVar contains an entry for this variant (Variation ID: 2038028). For these reasons, this variant has been classified as Pathogenic.

Laboratory for Molecular Medicine, Mass General Brigham Personalized Medicine
Classification: Pathogenic for Hereditary spastic paraplegia. Last evaluated: 2022-03-30. Review status: criteria provided, single submitter. Criteria: ACMG Guidelines, 2015. Collection method: clinical testing. Allele origin: germline. Inheritance: Autosomal recessive inheritance.
Comment: The p.Gln2142X variant in ZFYVE26 has not been reported in individuals with disease and was absent from large population studies. This nonsense variant leads to a premature termination codon at position 2142, which is predicted to lead to a truncated or absent protein. Loss of function of the ZFYVE26 gene is an established disease mechanism in autosomal recessive hereditary spastic paraplegia 15. In summary, this variant meets criteria to be classified as pathogenic for autosomal recessive hereditary spastic paraplegia 15. ACMG/AMP Criteria applied: PM2_supporting, PVS1.

Literature cited by the submitters: PubMed 18394578 (cited by Labcorp Genetics (formerly Invitae), Labcorp); PubMed 19805727 (cited by Labcorp Genetics (formerly Invitae), Labcorp).